The following is an entry in ClinVar:

ClinVar aggregate classification (germline): Uncertain significance. Review status: criteria provided, multiple submitters, no conflicts (2 of 4 stars). 2 submissions from 2 submitters: Uncertain significance (2). Last evaluated 2025-08-07.

Conditions:
Gastrointestinal stromal tumor. Also called: Gastrointestinal stromal tumor, somatic; Gastrointestinal stroma tumor. Identifiers: Orphanet 44890, MedGen C0238198, MeSH D046152, MONDO:0011719, OMIM 606764, HP:0100723.
Hereditary cancer-predisposing syndrome. Also called: Tumor predisposition; Neoplastic Syndromes, Hereditary; Hereditary neoplastic syndrome; Hereditary Cancer Syndrome. Identifiers: Orphanet 140162, MedGen C0027672, MeSH D009386, MONDO:0015356.

Submissions (2):

Ambry Genetics
Classification: Uncertain significance for Hereditary cancer-predisposing syndrome. Last evaluated: 2025-08-07. Review status: criteria provided, single submitter. Criteria: Ambry Variant Classification Scheme 2023. Collection method: clinical testing. Allele origin: germline.
Comment: The p.A291T variant (also known as c.871G>A), located in coding exon 5 of the PDGFRA gene, results from a G to A substitution at nucleotide position 871. The alanine at codon 291 is replaced by threonine, an amino acid with similar properties. This amino acid position is conserved. In addition, this alteration is predicted to be tolerated by in silico analysis. Since supporting evidence is limited at this time, the clinical significance of this alteration remains unclear.

Labcorp Genetics (formerly Invitae), Labcorp
Classification: Uncertain significance for Gastrointestinal stromal tumor. Last evaluated: 2020-02-07. Review status: criteria provided, single submitter. Criteria: Invitae Variant Classification Sherloc (09022015). Collection method: clinical testing. Allele origin: germline.
Comment: In summary, the available evidence is currently insufficient to determine the role of this variant in disease. Therefore, it has been classified as a Variant of Uncertain Significance. Algorithms developed to predict the effect of missense changes on protein structure and function output the following: SIFT: "Tolerated"; PolyPhen-2: "Benign"; Align-GVGD: "Class C0". The threonine amino acid residue is found in multiple mammalian species, suggesting that this missense change does not adversely affect protein function. These predictions have not been confirmed by published functional studies and their clinical significance is uncertain. This variant has not been reported in the literature in individuals with PDGFRA-related conditions. This variant is not present in population databases (ExAC no frequency). This sequence change replaces alanine with threonine at codon 291 of the PDGFRA protein (p.Ala291Thr). The alanine residue is moderately conserved and there is a small physicochemical difference between alanine and threonine.

NM_006206.6(PDGFRA):c.871G>A (p.Ala291Thr)

Gene: PDGFRA (platelet derived growth factor receptor alpha; plus strand). Cytogenetic location: 4q12.
Variant type: single nucleotide variant.
Coding change: c.871G>A on transcript NM_006206.6 (MANE Select); coding-DNA position 871, G replaced by A.
Protein change: p.Ala291Thr; replaces alanine 291 with threonine.
Molecular consequence: missense variant.
Genome position (GRCh38, 1-based): chr4:54,267,400, G>A. VCF-style: chr4-54267400-G-A. GRCh37 (hg19) VCF-style: chr4-55133567-G-A.
Other names: c.871G>A, p.Ala291Thr (NM_001347827.2, NM_001347829.2); c.946G>A, p.Ala316Thr (NM_001347828.2); c.910G>A, p.Ala304Thr (NM_001347830.2); c.871G>A (NM_006206.4); short protein forms A291T, A316T, A304T.
Identifiers: ClinVar variation 1045502 (VCV001045502.19), dbSNP rs1723090772, ClinGen allele CA356891290.